The following is an entry in ClinVar:

ClinVar aggregate classification (germline): Uncertain significance (1 of 4 stars; one submission).

Conditions:
Catecholaminergic polymorphic ventricular tachycardia 1. Also called: VENTRICULAR TACHYCARDIA, CATECHOLAMINERGIC POLYMORPHIC, 1, WITH OR WITHOUT ATRIAL DYSFUNCTION AND/OR DILATED CARDIOMYOPATHY; RYR2-Related Catecholaminergic Polymorphic Ventricular Tachycardia; VENTRICULAR TACHYCARDIA, STRESS-INDUCED POLYMORPHIC 1. Identifiers: Orphanet 3286, MedGen C1631597, MONDO:0011484, OMIM 604772.

Submission:

Labcorp Genetics (formerly Invitae), Labcorp
Classification: Uncertain significance for Catecholaminergic polymorphic ventricular tachycardia 1. Last evaluated: 2025-09-23. Review status: criteria provided, single submitter. Criteria: Invitae Variant Classification Sherloc (09022015). Collection method: clinical testing. Allele origin: germline.
Comment: This sequence change replaces alanine, which is neutral and non-polar, with glutamic acid, which is acidic and polar, at codon 538 of the RYR2 protein (p.Ala538Glu). This variant is not present in population databases (gnomAD no frequency). This variant has not been reported in the literature in individuals affected with RYR2-related conditions. An algorithm developed to predict the effect of missense changes on protein structure and function (PolyPhen-2) suggests that this variant is likely to be disruptive. In summary, the available evidence is currently insufficient to determine the role of this variant in disease. Therefore, it has been classified as a Variant of Uncertain Significance.

NM_001035.3(RYR2):c.1613C>A (p.Ala538Glu)

Gene: RYR2 (ryanodine receptor 2; plus strand). Cytogenetic location: 1q43.
Variant type: single nucleotide variant.
Coding change: c.1613C>A on transcript NM_001035.3 (MANE Select); coding-DNA position 1613, C replaced by A.
Protein change: p.Ala538Glu; replaces alanine 538 with glutamic acid.
Molecular consequence: missense variant.
Genome position (GRCh38, 1-based): chr1:237,469,092, C>A. VCF-style: chr1-237469092-C-A. GRCh37 (hg19) VCF-style: chr1-237632392-C-A.
Other names: short protein forms A538E.
Identifiers: ClinVar variation 4753708 (VCV004753708.1).